The following is an entry in ClinVar:

NM_000891.3(KCNJ2):c.637C>T (p.Arg213Ter)

Gene: KCNJ2 (potassium inwardly rectifying channel subfamily J member 2; plus strand). Cytogenetic location: 17q24.3.
Variant type: single nucleotide variant.
Coding change: c.637C>T on transcript NM_000891.3 (MANE Select); coding-DNA position 637, C replaced by T.
Protein change: p.Arg213Ter; replaces arginine 213 with a stop codon.
Molecular consequence: nonsense.
Genome position (GRCh38, 1-based): chr17:70,175,676, C>T. VCF-style: chr17-70175676-C-T. GRCh37 (hg19) VCF-style: chr17-68171817-C-T.
Other names: short protein forms R213*.
Identifiers: ClinVar variation 1344911 (VCV001344911.4), dbSNP rs764523123, ClinGen allele CA8738753.
Genomic context (GRCh38, chr17:70,175,676, plus strand): 5'-CTTGTCTTCAGTCACAATGCCGTGATTGCCATGAGAGACGGCAAGCTGTGTTTGATGTGG[C>T]GAGTGGGCAATCTTCGGAAAAGCCACTTGGTGGAAGCTCATGTTCGAGCACAGCTCCTCA-3'

ClinVar aggregate classification (germline): Uncertain significance. Review status: criteria provided, single submitter (1 of 4 stars). 2 submissions from 2 submitters: Uncertain significance (1). 1 of the submissions does not count toward it. Last evaluated 2023-03-23.

Conditions:
Andersen Tawil syndrome (LQT7). Also called: ANDERSEN CARDIODYSRHYTHMIC PERIODIC PARALYSIS; LONG QT SYNDROME 7; PERIODIC PARALYSIS, POTASSIUM-SENSITIVE CARDIODYSRHYTHMIC TYPE; Potassium-sensitive periodic paralysis, ventricular ectopy, and dysmorphic features; Andersen Syndrome. Identifiers: Orphanet 37553, MedGen C1563715, MONDO:0008222, OMIM 170390.

Allele frequency attached by ClinVar (database versions not stated): gnomAD exomes below 0.00001 and 0.00001; ExAC 0.00001; gnomAD 0.00001.
gnomAD v4.1: 3 of 1,614,014 alleles (0.00019%); highest among the groups gnomAD compares: East Asian, 0.0022%; no homozygotes.

Submissions (2):

GeneDx
Classification: Uncertain significance. Last evaluated: 2023-03-23. Review status: criteria provided, single submitter. Criteria: GeneDx Variant Classification Process June 2021. Collection method: clinical testing. Allele origin: germline. Affected: yes.
Comment: Not observed at significant frequency in large population cohorts (gnomAD); Nonsense variant predicted to result in protein truncation or nonsense mediated decay in a gene or region of a gene for which loss of function is not a well-established mechanism of disease; Has not been previously published as pathogenic or benign to our knowledge

Department of Neurology and Geriatrics, Kagoshima University Graduate School of Medical and Dental Sciences
Classification: Likely pathogenic for Andersen Tawil syndrome. Last evaluated: 2022-04-12. Review status: no assertion criteria provided. Collection method: research. Allele origin: germline. Affected: yes. Not counted in ClinVar's aggregate classification.